The following is an entry in ClinVar:

ClinVar aggregate classification (germline): Uncertain significance (1 of 4 stars; one submission).

Conditions:
Spastic paraplegia. Identifiers: MedGen C0037772, HP:0001258.

Submission:

Labcorp Genetics (formerly Invitae), Labcorp
Classification: Uncertain significance for Spastic paraplegia. Last evaluated: 2024-07-24. Review status: criteria provided, single submitter. Criteria: Invitae Variant Classification Sherloc (09022015). Collection method: clinical testing. Allele origin: germline.
Comment: This sequence change replaces valine, which is neutral and non-polar, with isoleucine, which is neutral and non-polar, at codon 48 of the KIF5A protein (p.Val48Ile). This variant is not present in population databases (gnomAD no frequency). This variant has not been reported in the literature in individuals affected with KIF5A-related conditions. Advanced modeling of protein sequence and biophysical properties (such as structural, functional, and spatial information, amino acid conservation, physicochemical variation, residue mobility, and thermodynamic stability) performed at Invitae indicates that this missense variant is not expected to disrupt KIF5A protein function with a negative predictive value of 95%. In summary, the available evidence is currently insufficient to determine the role of this variant in disease. Therefore, it has been classified as a Variant of Uncertain Significance.

NM_004984.4(KIF5A):c.142G>A (p.Val48Ile)

Gene: KIF5A (kinesin family member 5A; plus strand). Cytogenetic location: 12q13.3.
Variant type: single nucleotide variant.
Coding change: c.142G>A on transcript NM_004984.4 (MANE Select); coding-DNA position 142, G replaced by A.
Protein change: p.Val48Ile; replaces valine 48 with isoleucine.
Molecular consequence: missense variant. On other transcripts: intron variant (1).
Genome position (GRCh38, 1-based): chr12:57,563,451, G>A. VCF-style: chr12-57563451-G-A. GRCh37 (hg19) VCF-style: chr12-57957234-G-A.
Other names: c.130-1009G>A (NM_001354705.2); short protein forms V48I.
Identifiers: ClinVar variation 3637598 (VCV003637598.2).